The following is an entry in ClinVar:

ClinVar aggregate classification (germline): Uncertain significance. Review status: criteria provided, multiple submitters, no conflicts (2 of 4 stars). 2 submissions from 2 submitters: Uncertain significance (2). Last evaluated 2024-01-29.

Conditions:
Hereditary cancer-predisposing syndrome. Also called: Neoplastic Syndromes, Hereditary; Tumor predisposition; Hereditary neoplastic syndrome; Hereditary Cancer Syndrome. Identifiers: Orphanet 140162, MedGen C0027672, MeSH D009386, MONDO:0015356.
Hereditary breast ovarian cancer syndrome. Also called: Hereditary breast and ovarian cancer syndrome; Hereditary breast and ovarian cancer; Hereditary breast and ovarian cancer syndrome (HBOC); Breast and ovarian cancer; Hereditary breast and/or ovarian cancer syndrome; BRCA1- and BRCA2-Associated Hereditary Breast and Ovarian Cancer. Identifiers: Orphanet 145, MedGen C0677776, MeSH D061325, MONDO:0003582. Disease mechanism: loss of function.

Submissions (2):

Labcorp Genetics (formerly Invitae), Labcorp
Classification: Uncertain significance for Hereditary breast ovarian cancer syndrome. Last evaluated: 2024-01-29. Review status: criteria provided, single submitter. Criteria: Invitae Variant Classification Sherloc (09022015). Collection method: clinical testing. Allele origin: germline.
Comment: This sequence change replaces serine, which is neutral and polar, with arginine, which is basic and polar, at codon 231 of the BRCA2 protein (p.Ser231Arg). This variant is not present in population databases (gnomAD no frequency). This variant has not been reported in the literature in individuals affected with BRCA2-related conditions. ClinVar contains an entry for this variant (Variation ID: 826713). Advanced modeling of protein sequence and biophysical properties (such as structural, functional, and spatial information, amino acid conservation, physicochemical variation, residue mobility, and thermodynamic stability) performed at Invitae indicates that this missense variant is not expected to disrupt BRCA2 protein function with a negative predictive value of 95%. In summary, the available evidence is currently insufficient to determine the role of this variant in disease. Therefore, it has been classified as a Variant of Uncertain Significance.

Ambry Genetics
Classification: Uncertain significance for Hereditary cancer-predisposing syndrome. Last evaluated: 2019-10-31. Review status: criteria provided, single submitter. Criteria: Ambry Variant Classification Scheme 2023. Collection method: clinical testing. Allele origin: germline.
Comment: The p.S231R variant (also known as c.693C>A), located in coding exon 8 of the BRCA2 gene, results from a C to A substitution at nucleotide position 693. The serine at codon 231 is replaced by arginine, an amino acid with dissimilar properties. This amino acid position is not well conserved in available vertebrate species. In addition, this alteration is predicted to be tolerated by in silico analysis. Since supporting evidence is limited at this time, the clinical significance of this alteration remains unclear.

NM_000059.4(BRCA2):c.693C>A (p.Ser231Arg)

Gene: BRCA2 (BRCA2 DNA repair associated; plus strand). Cytogenetic location: 13q13.1.
Variant type: single nucleotide variant.
Coding change: c.693C>A on transcript NM_000059.4 (MANE Select); coding-DNA position 693, C replaced by A.
Protein change: p.Ser231Arg; replaces serine 231 with arginine.
Molecular consequence: missense variant.
Genome position (GRCh38, 1-based): chr13:32,330,930, C>A. VCF-style: chr13-32330930-C-A. GRCh37 (hg19) VCF-style: chr13-32905067-C-A.
Other names: short protein forms S231R.
Identifiers: ClinVar variation 826713 (VCV000826713.7), dbSNP rs1593890108, ClinGen allele CA387759874.
Genomic context (GRCh38, chr13:32,330,930, plus strand): 5'-GTGCATTGAGAGTTTTTATACTAGTGATTTTAAACTATAATTTTTGCAGAATGTGAAAAG[C>A]TATTTTTCCAATCATGATGAAAGTCTGAAGAAAAATGATAGATTTATCGCTTCTGTGACA-3'
Protein context (NP_000050.3, residues 221-241): FPHDTTANVK[Ser231Arg]YFSNHDESLK